The following is an entry in ClinVar:

ClinVar aggregate classification (germline): Uncertain significance (1 of 4 stars; one submission).

gnomAD v4.1: 1 of 1,570,796 alleles (0.000064%); highest among the groups gnomAD compares: Non-Finnish European, 0.000087%; no homozygotes.

Submission:

Ambry Genetics
Classification: Uncertain significance. Last evaluated: 2026-03-07. Review status: criteria provided, single submitter. Criteria: Ambry Variant Classification Scheme 2023. Collection method: clinical testing. Allele origin: germline.
Comment: The p.V190D variant (also known as c.569T>A), located in coding exon 5 of the RRAS gene, results from a T to A substitution at nucleotide position 569. The valine at codon 190 is replaced by aspartic acid, an amino acid with highly dissimilar properties. This amino acid position is conserved. In addition, this alteration is predicted to be deleterious by in silico analysis. Based on the available evidence, the clinical significance of this variant remains unclear.

NM_006270.5(RRAS):c.569T>A (p.Val190Asp)

Gene: RRAS (RAS related; minus strand). Cytogenetic location: 19q13.33.
Variant type: single nucleotide variant.
Coding change: c.569T>A on transcript NM_006270.5 (MANE Select); coding-DNA position 569, T replaced by A.
Protein change: p.Val190Asp; replaces valine 190 with aspartic acid.
Molecular consequence: missense variant.
Genome position (GRCh38, 1-based): chr19:49,635,737, A>T on the plus strand (T>A on the coding strand, the complement: RRAS is on the minus strand). VCF-style: chr19-49635737-A-T. GRCh37 (hg19) VCF-style: chr19-50138994-A-T.
Other names: short protein forms V190D.
Identifiers: ClinVar variation 4826345 (VCV004826345.1).
Genomic context (GRCh38, chr19:49,635,737, plus strand): 5'-GTGAGTTTGGAGTGGAAGGGCTGGGGACAAGGACGACAGGAAGGGGACTTGGCTCACCGG[A>T]CAGCCCGCACCAGCTGCTCAAAAGCCTCGTCCACGTTGAGACGCAGTTTGGCCGAGGCCT-3'
Protein context (NP_006261.1, residues 180-200): DEAFEQLVRA[Val190Asp]RKYQEQELPP